The following is an entry in ClinVar:

NM_005732.4(RAD50):c.1978G>A (p.Ala660Thr)

Gene: RAD50 (RAD50 double strand break repair protein; plus strand). Cytogenetic location: 5q31.1.
Variant type: single nucleotide variant.
Coding change: c.1978G>A on transcript NM_005732.4 (MANE Select); coding-DNA position 1978, G replaced by A.
Protein change: p.Ala660Thr; replaces alanine 660 with threonine.
Molecular consequence: missense variant.
Genome position (GRCh38, 1-based): chr5:132,595,581, G>A. VCF-style: chr5-132595581-G-A. GRCh37 (hg19) VCF-style: chr5-131931273-G-A.
Other names: short protein forms A660T.
Identifiers: ClinVar variation 864762 (VCV000864762.10), dbSNP rs876659355, ClinGen allele CA360949189.

ClinVar aggregate classification (germline): Uncertain significance (1 of 4 stars; one submission).

Conditions:
Hereditary cancer-predisposing syndrome. Also called: Hereditary Cancer Syndrome; Tumor predisposition; Neoplastic Syndromes, Hereditary; Hereditary neoplastic syndrome. Identifiers: Orphanet 140162, MedGen C0027672, MeSH D009386, MONDO:0015356.

Submission:

Labcorp Genetics (formerly Invitae), Labcorp
Classification: Uncertain significance for Hereditary cancer-predisposing syndrome. Last evaluated: 2022-09-01. Review status: criteria provided, single submitter. Criteria: Invitae Variant Classification Sherloc (09022015). Collection method: clinical testing. Allele origin: germline.
Comment: In summary, the available evidence is currently insufficient to determine the role of this variant in disease. Therefore, it has been classified as a Variant of Uncertain Significance. Algorithms developed to predict the effect of missense changes on protein structure and function (SIFT, PolyPhen-2, Align-GVGD) all suggest that this variant is likely to be tolerated. ClinVar contains an entry for this variant (Variation ID: 864762). This variant has not been reported in the literature in individuals affected with RAD50-related conditions. This variant is not present in population databases (gnomAD no frequency). This sequence change replaces alanine, which is neutral and non-polar, with threonine, which is neutral and polar, at codon 660 of the RAD50 protein (p.Ala660Thr).